The following is an entry in ClinVar:

ClinVar aggregate classification (germline): Uncertain significance (1 of 4 stars; one submission).

Conditions:
POLD1-related polyposis and colorectal cancer syndrome (CRCS10). Also called: Colorectal cancer 10; COLORECTAL CANCER, SUSCEPTIBILITY TO, ON CHROMOSOME 19q; Colorectal cancer, susceptibility to, 10. Identifiers: Orphanet 220460, MedGen C2675481, MONDO:0012953, OMIM 612591.

Submission:

Labcorp Genetics (formerly Invitae), Labcorp
Classification: Uncertain significance for POLD1-related polyposis and colorectal cancer syndrome. Last evaluated: 2024-03-07. Review status: criteria provided, single submitter. Criteria: Invitae Variant Classification Sherloc (09022015). Collection method: clinical testing. Allele origin: germline.
Comment: This sequence change creates a premature translational stop signal (p.Tyr371*) in the POLD1 gene. Missense variants that disrupt the 3'-5' exonuclease (proof-reading) activity of the POLD1 protein are associated with PPAP (polymerase proofreading–associated polyposis) (PMID: 23263490, 23447401). However, loss-of-function variants that result in an absent or severely disrupted POLD1 protein, and missense variants outside the exonuclease domain, are unlikely to be associated with PPAP. This variant is not present in population databases (gnomAD no frequency). This variant has not been reported in the literature in individuals affected with POLD1-related conditions. ClinVar contains an entry for this variant (Variation ID: 1514820). In summary, the available evidence is currently insufficient to determine the role of this variant in disease. Therefore, it has been classified as a Variant of Uncertain Significance.

Literature cited by the submitters: PubMed 23263490; PubMed 23447401.

NM_002691.4(POLD1):c.1113C>A (p.Tyr371Ter)

Gene: POLD1 (DNA polymerase delta 1, catalytic subunit; plus strand). Cytogenetic location: 19q13.33.
Variant type: single nucleotide variant.
Coding change: c.1113C>A on transcript NM_002691.4 (MANE Select); coding-DNA position 1113, C replaced by A.
Protein change: p.Tyr371Ter; replaces tyrosine 371 with a stop codon.
Molecular consequence: nonsense. On other transcripts: non-coding transcript variant (1).
Genome position (GRCh38, 1-based): chr19:50,403,195, C>A. VCF-style: chr19-50403195-C-A. GRCh37 (hg19) VCF-style: chr19-50906452-C-A.
Other names: c.1113C>A, p.Tyr371Ter (NM_001256849.1, NM_001308632.1); short protein forms Y371*.
Identifiers: ClinVar variation 1514820 (VCV001514820.8), dbSNP rs749234758, ClinGen allele CA406978353.